The following is an entry in ClinVar:

ClinVar aggregate classification (germline): Benign. Review status: criteria provided, multiple submitters, no conflicts (2 of 4 stars). 7 submissions from 5 submitters: Benign (7). Last evaluated 2021-12-05.

Conditions:
von Willebrand disease type 2 (VWD2). Also called: VON WILLEBRAND DISEASE, TYPE II; VWD, TYPE 2; VON WILLEBRAND DISEASE, TYPE 2A/IIE; VON WILLEBRAND DISEASE, TYPE 2CB. Identifiers: Orphanet 166081, Orphanet 903, MedGen C1264040, MONDO:0013304, OMIM 613554.
Hereditary von Willebrand disease. Identifiers: Orphanet 903, MedGen C5703318, MONDO:0019565. Inheritance: Autosomal recessive or Autosomal dominant.
von Willebrand disease type 3 (VWD3). Also called: Type 3 Von Willebrand's disease; Type 3 VWD; Von Willebrand disease, severe form; V WD3; VON WILLEBRAND DISEASE, TYPE III. Identifiers: Orphanet 166096, MedGen C1264041, MONDO:0010191, OMIM 277480.
von Willebrand disease type 1 (VWD1). Also called: VON WILLEBRAND DISEASE, TYPE I; VWD, TYPE 1. Identifiers: Orphanet 166078, Orphanet 903, MedGen C1264039, MONDO:0008668, OMIM 193400. Inheritance: autosomal recessive or autosomal dominant.

Allele frequency attached by ClinVar (database versions not stated): gnomAD exomes 0.04589; ExAC 0.05005; gnomAD 0.10044 and 0.10566; 1000 Genomes Project 0.10184; 1000 Genomes Project 30x 0.10790; TOPMed 0.10958; ESP Exome Variant Server 0.11218.
gnomAD v4.1: 72,520 of 1,613,852 alleles (4.5%); highest among the groups gnomAD compares: African/African-American, 27%; 3,903 homozygotes.

Submissions (7):

Genome-Nilou Lab
Classification: Benign for von Willebrand disease type 1. Last evaluated: 2021-12-05. Review status: criteria provided, single submitter. Criteria: ACMG Guidelines, 2015. Collection method: clinical testing. Allele origin: germline. Affected: no.

Genome-Nilou Lab
Classification: Benign for von Willebrand disease type 3. Last evaluated: 2021-12-05. Review status: criteria provided, single submitter. Criteria: ACMG Guidelines, 2015. Collection method: clinical testing. Allele origin: germline. Affected: no.

Genome-Nilou Lab
Classification: Benign for von Willebrand disease type 2. Last evaluated: 2021-12-05. Review status: criteria provided, single submitter. Criteria: ACMG Guidelines, 2015. Collection method: clinical testing. Allele origin: germline. Affected: no.

GeneDx
Classification: Benign. Last evaluated: 2019-10-18. Review status: criteria provided, single submitter. Criteria: GeneDx Variant Classification Process June 2021. Collection method: clinical testing. Allele origin: germline. Affected: yes.

Illumina Laboratory Services, Illumina
Classification: Benign for von Willebrand disorder. Last evaluated: 2018-01-13. Review status: criteria provided, single submitter. Criteria: ICSL Variant Classification Criteria 13 December 2019. Collection method: clinical testing. Allele origin: germline.
Comment: This variant was observed in the ICSL laboratory as part of a predisposition screen in an ostensibly healthy population. It had not been previously curated by ICSL or reported in the Human Gene Mutation Database (HGMD: prior to June 1st, 2018), and was therefore a candidate for classification through an automated scoring system. Utilizing variant allele frequency, disease prevalence and penetrance estimates, and inheritance mode, an automated score was calculated to assess if this variant is too frequent to cause the disease. Based on the score and internal cut-off values, a variant classified as benign is not then subjected to further curation. The score for this variant resulted in a classification of benign for this disease.

Breakthrough Genomics
Classification: Benign. Review status: criteria provided, single submitter. Criteria: ACMG Guidelines, 2015. Collection method: not provided. Allele origin: germline. Inheritance: Autosomal recessive inheritance. Affected: yes.

PreventionGenetics, part of Exact Sciences
Classification: Benign. Review status: criteria provided, single submitter. Criteria: ACMG Guidelines, 2015. Collection method: clinical testing. Allele origin: germline.

NM_000552.5(VWF):c.657+11A>C

Gene: VWF (von Willebrand factor; minus strand). Cytogenetic location: 12p13.31.
Variant type: single nucleotide variant.
Coding change: c.657+11A>C on transcript NM_000552.5 (MANE Select); 11 bases into the intron after coding-DNA position 657, A replaced by C.
Molecular consequence: intron variant.
Genome position (GRCh38, 1-based): chr12:6,095,449, T>G on the plus strand (A>C on the coding strand, the complement: VWF is on the minus strand). VCF-style: chr12-6095449-T-G. GRCh37 (hg19) VCF-style: chr12-6204615-T-G.
Identifiers: ClinVar variation 256691 (VCV000256691.10), dbSNP rs7980045, ClinGen allele CA6403741.